The following is an entry in ClinVar:

NM_004329.3(BMPR1A):c.298T>G (p.Cys100Gly)

Gene: BMPR1A (bone morphogenetic protein receptor type 1A; plus strand). Cytogenetic location: 10q23.2.
Variant type: single nucleotide variant.
Coding change: c.298T>G on transcript NM_004329.3 (MANE Select); coding-DNA position 298, T replaced by G.
Protein change: p.Cys100Gly; replaces cysteine 100 with glycine.
Molecular consequence: missense variant.
Genome position (GRCh38, 1-based): chr10:86,892,194, T>G. VCF-style: chr10-86892194-T-G. GRCh37 (hg19) VCF-style: chr10-88651951-T-G.
Other names: short protein forms C100G.
Identifiers: ClinVar variation 486806 (VCV000486806.5), dbSNP rs1554888323, ClinGen allele CA377448154.

ClinVar aggregate classification (germline): Uncertain significance (1 of 4 stars; one submission).

Conditions:
Hereditary cancer-predisposing syndrome. Also called: Tumor predisposition; Hereditary Cancer Syndrome; Hereditary neoplastic syndrome; Neoplastic Syndromes, Hereditary. Identifiers: Orphanet 140162, MedGen C0027672, MeSH D009386, MONDO:0015356.

Submission:

Ambry Genetics
Classification: Uncertain significance for Hereditary cancer-predisposing syndrome. Last evaluated: 2016-05-16. Review status: criteria provided, single submitter. Criteria: Ambry Variant Classification Scheme 2023. Collection method: clinical testing. Allele origin: germline.
Comment: The p.C100G variant (also known as c.298T>G), located in coding exon 3 of the BMPR1A gene, results from a T to G substitution at nucleotide position 298. The cysteine at codon 100 is replaced by glycine, an amino acid with highly dissimilar properties. This variant was not reported in population based cohorts in the following databases: Database of Single Nucleotide Polymorphisms (dbSNP), NHLBI Exome Sequencing Project (ESP), and 1000 Genomes Project. In the ESP, this variant was not observed in 6503 samples (13006 alleles) with coverage at this position. To date, this alteration has been detected with an allele frequency of approximately 0.002% (greater than 65000 alleles tested) in our clinical cohort. This amino acid position is highly conserved in available vertebrate species. In addition, this alteration is predicted to be deleterious by in silico analysis. Since supporting evidence is limited at this time, the clinical significance of this alteration remains unclear.